The following is an entry in ClinVar:

ClinVar aggregate classification (germline): Uncertain significance (1 of 4 stars; one submission).

Conditions:
Charcot-Marie-Tooth disease type 4. Also called: Charcot-Marie-Tooth disease, type IV; Charcot-Marie-Tooth, Type 4. Identifiers: Orphanet 64749, MedGen C4082197, MONDO:0018995.

Submission:

Labcorp Genetics (formerly Invitae), Labcorp
Classification: Uncertain significance for Charcot-Marie-Tooth disease type 4. Last evaluated: 2019-01-20. Review status: criteria provided, single submitter. Criteria: Invitae Variant Classification Sherloc (09022015). Collection method: clinical testing. Allele origin: germline.
Comment: Algorithms developed to predict the effect of missense changes on protein structure and function (SIFT, PolyPhen-2, Align-GVGD) all suggest that this variant is likely to be tolerated, but these predictions have not been confirmed by published functional studies and their clinical significance is uncertain. This variant has not been reported in the literature in individuals with MTMR2-related conditions. In summary, the available evidence is currently insufficient to determine the role of this variant in disease. Therefore, it has been classified as a Variant of Uncertain Significance. This variant is not present in population databases (ExAC no frequency). This sequence change replaces serine with glycine at codon 4 of the MTMR2 protein (p.Ser4Gly). The serine residue is moderately conserved and there is a small physicochemical difference between serine and glycine.

NM_016156.6(MTMR2):c.10A>G (p.Ser4Gly)

Gene: MTMR2 (myotubularin related protein 2; minus strand). Cytogenetic location: 11q21.
Variant type: single nucleotide variant.
Coding change: c.10A>G on transcript NM_016156.6 (MANE Select); coding-DNA position 10, A replaced by G.
Protein change: p.Ser4Gly; replaces serine 4 with glycine.
Molecular consequence: missense variant. On other transcripts: 5 prime UTR variant (3).
Genome position (GRCh38, 1-based): chr11:95,923,945, T>C on the plus strand (A>G on the coding strand, the complement: MTMR2 is on the minus strand). VCF-style: chr11-95923945-T-C. GRCh37 (hg19) VCF-style: chr11-95657109-T-C.
Other names: c.-474A>G (NM_001243571.2); c.-401A>G (NM_201278.3); c.-278A>G (NM_201281.3); short protein forms S4G.
Identifiers: ClinVar variation 856548 (VCV000856548.9), dbSNP rs1867038226, ClinGen allele CA382416663.
Genomic context (GRCh38, chr11:95,923,945, plus strand): 5'-AGTCCACGCTGGGCGGCCGAGCCGCCGCCGGCTGGGAGCCAAGACTCTCGCAGCTCGAGC[T>C]CTTCTCCATCGCGCGGCAGGGGCAGCACAGGGAAAGGCTGAAGCAGTCTTCGCGGCTACA-3'
Protein context (NP_057240.3, residues 1-14): MEK[Ser4Gly]SSCESLGSQP